The following is an entry in ClinVar:

NM_018136.5(ASPM):c.1402_1406del (p.Asn468fs)

Gene: ASPM (assembly factor for spindle microtubules; minus strand). Cytogenetic location: 1q31.3.
Variant type: Deletion.
Coding change: c.1402_1406del on transcript NM_018136.5 (MANE Select); coding-DNA positions 1402 to 1406, 5 bases deleted (AATAA; older notation c.1402_1406delAATAA).
Protein change: p.Asn468fs; shifts the reading frame from asparagine 468.
Molecular consequence: frameshift variant.
Genome position (GRCh38, 1-based): chr1:197,142,846-197,142,850, TTATT deleted on the plus strand (AATAA on the coding strand, the reverse complement: ASPM is on the minus strand); deleting any 5 consecutive bases within chr1:197,142,846-197,142,852 gives the same sequence; the c. name uses the placement nearest the transcript's 3' end. VCF-style (leftmost placement, unchanged base first): chr1-197142845-ATTATT-A. GRCh37 (hg19) VCF-style: chr1-197111975-ATTATT-A.
Other names: c.1402_1406del, p.Asn468fs (NM_001206846.2); short protein forms N468fs.
Identifiers: ClinVar variation 975501 (VCV000975501.2), dbSNP rs1245021867, ClinGen allele CA729722764.

ClinVar aggregate classification (germline): Pathogenic. Review status: criteria provided, single submitter (1 of 4 stars). 2 submissions from 2 submitters: Pathogenic (1). 1 of the submissions does not count toward it. Last evaluated 2024-06-20.

Conditions:
Intellectual disability. Also called: intellectual disabilities; Intellectual developmental disorder; Intellectual functioning disability. Identifiers: MedGen C3714756, MeSH D008607, MONDO:0001071, HP:0001249.
Microcephaly 5, primary, autosomal recessive (MCPH5). Also called: ASPM Primary Microcephaly. Identifiers: Orphanet 2512, MedGen C1837501, MONDO:0012106, OMIM 608716.

Submissions (2):

3billion
Classification: Pathogenic for Microcephaly 5, primary, autosomal recessive. Last evaluated: 2024-06-20. Review status: criteria provided, single submitter. Criteria: ACMG Guidelines, 2015. Collection method: clinical testing. Allele origin: germline. Affected: yes.
Comment: The variant is observed at an extremely low frequency in the gnomAD v4.0.0 dataset (total allele frequency: <0.001%). Predicted Consequence/Location: Frameshift: predicted to result in a loss or disruption of normal protein function through nonsense-mediated decay (NMD) or protein truncation. Multiple pathogenic variants are reported downstream of the variant. The variant has been reported to be associated with ASPM related disorder (PMID: 31934343). Therefore, this variant is classified as Pathogenic according to the recommendation of ACMG/AMP guideline.

Centre de Biologie Pathologie Génétique, Centre Hospitalier Universitaire de Lille
Classification: Uncertain significance for Intellectual disability. Last evaluated: 2019-01-01. Review status: no assertion criteria provided. Collection method: clinical testing. Allele origin: unknown. Affected: yes. Not counted in ClinVar's aggregate classification.

Literature cited by the submitters: PubMed 31934343 (cited by 3billion).